The following is an entry in ClinVar:

NM_000053.4(ATP7B):c.482_483delinsA (p.Ile161fs)

Gene: ATP7B (ATPase copper transporting beta; minus strand). Cytogenetic location: 13q14.3.
Variant type: Indel.
Coding change: c.482_483delinsA on transcript NM_000053.4 (MANE Select); coding-DNA positions 482 to 483, TT replaced by A.
Protein change: p.Ile161fs; shifts the reading frame from isoleucine 161.
Molecular consequence: frameshift variant.
Genome position (GRCh38, 1-based): chr13:51,974,737-51,974,738, AA replaced by T on the plus strand (TT replaced by A on the coding strand, the reverse complement: ATP7B is on the minus strand). VCF-style: chr13-51974737-AA-T. GRCh37 (hg19) VCF-style: chr13-52548873-AA-T.
Other names: c.482_483delinsA, p.Ile161fs (NM_001005918.3, NM_001243182.2, NM_001330578.2 and 1 more transcripts); c.482_483delTTinsA, p.Ile161Lysfs (NM_001406511.1, NM_001406512.1, NM_001406513.1 and 26 more transcripts); c.386_387delTTinsA, p.Ile129Lysfs (NM_001406517.1, NM_001406518.1, NM_001406530.1 and 4 more transcripts); short protein forms I161fs.
Identifiers: ClinVar variation 1724897 (VCV001724897.2), dbSNP rs2547822465, ClinGen allele CA2580087699.

ClinVar aggregate classification (germline): Likely pathogenic (1 of 4 stars; one submission).

Conditions:
Wilson disease (WND). Also called: Wilson's disease. Identifiers: Orphanet 905, MedGen C0019202, MONDO:0010200, OMIM 277900. Disease mechanism: loss of function.

Submission:

Myriad Genetics, Inc.
Classification: Likely pathogenic for Wilson disease. Last evaluated: 2022-03-02. Review status: criteria provided, single submitter. Criteria: Myriad Women's Health Autosomal Recessive and X-Linked Classification Criteria (2021). Collection method: clinical testing. Allele origin: unknown.
Comment: NM_000053.3(ATP7B):c.482_483delTTinsA(I161Kfs*11) is expected to be pathogenic in the context of Wilson disease. This variant is predicted to lead to an abnormal or absent protein product due to the creation of a premature termination codon in ATP7B, a gene where loss-of-function variants are known to be pathogenic. Please note: this variant was assessed in the context of healthy population screening.